The following is an entry in ClinVar:

ClinVar aggregate classification (germline): Uncertain significance (1 of 4 stars; one submission).

Conditions:
Imerslund-Grasbeck syndrome. Also called: PERNICIOUS ANEMIA, JUVENILE, DUE TO SELECTIVE INTESTINAL MALABSORPTION OF VITAMIN B12, WITH PROTEINURIA; Imerslund-Gräsbeck syndrome; ENTEROCYTE COBALAMIN MALABSORPTION; ENTEROCYTE INTRINSIC FACTOR RECEPTOR, DEFECT OF; Megaloblastic anemia due to inborn errors of metabolism. Identifiers: Orphanet 35858, MedGen C4551825, MONDO:0009853.

gnomAD v4.1: 8 of 1,614,190 alleles (0.0005%); highest among the groups gnomAD compares: Middle Eastern, 0.017%; no homozygotes.

Submission:

Labcorp Genetics (formerly Invitae), Labcorp
Classification: Uncertain significance for Imerslund-Grasbeck syndrome. Last evaluated: 2024-10-27. Review status: criteria provided, single submitter. Criteria: Invitae Variant Classification Sherloc (09022015). Collection method: clinical testing. Allele origin: germline.
Comment: This sequence change replaces serine, which is neutral and polar, with proline, which is neutral and non-polar, at codon 1396 of the CUBN protein (p.Ser1396Pro). This variant is present in population databases (rs781344852, gnomAD 0.004%). This variant has not been reported in the literature in individuals affected with CUBN-related conditions. Invitae Evidence Modeling of protein sequence and biophysical properties (such as structural, functional, and spatial information, amino acid conservation, physicochemical variation, residue mobility, and thermodynamic stability) has been performed for this missense variant. However, the output from this modeling did not meet the statistical confidence thresholds required to predict the impact of this variant on CUBN protein function. In summary, the available evidence is currently insufficient to determine the role of this variant in disease. Therefore, it has been classified as a Variant of Uncertain Significance.

NM_001081.4(CUBN):c.4186T>C (p.Ser1396Pro)

Gene: CUBN (cubilin; minus strand). Cytogenetic location: 10p13.
Variant type: single nucleotide variant.
Coding change: c.4186T>C on transcript NM_001081.4 (MANE Select); coding-DNA position 4186, T replaced by C.
Protein change: p.Ser1396Pro; replaces serine 1396 with proline.
Molecular consequence: missense variant.
Genome position (GRCh38, 1-based): chr10:16,990,498, A>G on the plus strand (T>C on the coding strand, the complement: CUBN is on the minus strand). VCF-style: chr10-16990498-A-G. GRCh37 (hg19) VCF-style: chr10-17032497-A-G.
Other names: short protein forms S1396P.
Identifiers: ClinVar variation 3665728 (VCV003665728.2).